The following is an entry in ClinVar:

ClinVar aggregate classification (germline): Likely benign (0 of 4 stars; one submission).

Conditions:
AFF4-related disorder. Also called: AFF4-related condition.

Submission:

PreventionGenetics, part of Exact Sciences
Classification: Likely benign for AFF4-related condition. Last evaluated: 2021-09-01. Review status: no assertion criteria provided. Collection method: clinical testing. Allele origin: germline.
Comment: This variant is classified as likely benign based on ACMG/AMP sequence variant interpretation guidelines (Richards et al. 2015 PMID: 25741868, with internal and published modifications).

NM_014423.4(AFF4):c.2796+8_2796+11del

Gene: AFF4 (ALF transcription elongation factor 4; minus strand). Cytogenetic location: 5q31.1.
Variant type: Deletion.
Coding change: c.2796+8_2796+11del on transcript NM_014423.4 (MANE Select); bases 8 to 11 of the intron after coding-DNA position 2796, 4 bases deleted (GATA; older notation c.2796+8_2796+11delGATA).
Molecular consequence: intron variant.
Genome position (GRCh38, 1-based): chr5:132,888,086-132,888,089, TATC deleted on the plus strand (GATA on the coding strand, the reverse complement: AFF4 is on the minus strand); deleting any 4 consecutive bases within chr5:132,888,086-132,888,091 gives the same sequence; the c. name uses the placement nearest the transcript's 3' end. VCF-style (leftmost placement, unchanged base first): chr5-132888085-ATATC-A. GRCh37 (hg19) VCF-style: chr5-132223777-ATATC-A.
Identifiers: ClinVar variation 3031591 (VCV003031591.2), dbSNP rs764809262, ClinGen allele CA3408825.